The following is an entry in ClinVar:

ClinVar aggregate classification (germline): Pathogenic (1 of 4 stars; one submission).

Submission:

ARUP Laboratories, Molecular Genetics and Genomics, ARUP Laboratories
Classification: Pathogenic. Last evaluated: 2023-10-06. Review status: criteria provided, single submitter. Criteria: ARUP Molecular Germline Variant Investigation Process 2024. Collection method: clinical testing. Allele origin: germline.
Comment: The BRCA2 c.47_48insATTTCAA p.Thr17PhefsTer16 variant, to our knowledge, is not reported in the medical literature or gene specific databases. This variant is also absent from the Genome Aggregation Database, indicating it is not a common polymorphism. This variant causes a frameshift in exon 2 by inserting 7 nucleotides, so it is predicted to result in a truncated protein or mRNA subject to nonsense-mediated decay. Based on available information, this variant is considered to be pathogenic.

NM_000059.4(BRCA2):c.47_48insATTTCAA (p.Thr17fs)

Gene: BRCA2 (BRCA2 DNA repair associated; plus strand). Cytogenetic location: 13q13.1.
Variant type: Insertion.
Coding change: c.47_48insATTTCAA on transcript NM_000059.4 (MANE Select); coding-DNA positions 47 to 48, ATTTCAA inserted.
Protein change: p.Thr17fs; shifts the reading frame from threonine 17.
Molecular consequence: frameshift variant. On other transcripts: non-coding transcript variant (1), intron variant (1).
Genome position: GRCh38 VCF-style: chr13-32316505-T-TAAATTTC. GRCh37 (hg19) VCF-style: chr13-32890642-T-TAAATTTC.
Other names: c.47_48insATTTCAA, p.Thr17fs (NM_001406719.1, NM_001406720.1, NM_001406721.1); c.-303+840_-303+841insATTTCAA (NM_001406722.1); short protein forms T17fs.
Identifiers: ClinVar variation 2921114 (VCV002921114.1), dbSNP rs2548509794, ClinGen allele CA2739277496.